The following is an entry in ClinVar:

NM_001253697.2(ERBIN):c.3220A>G (p.Ile1074Val)

Gene: ERBIN (erbb2 interacting protein; plus strand). Cytogenetic location: 5q12.3.
Variant type: single nucleotide variant.
Coding change: c.3220A>G on transcript NM_001253697.2 (MANE Select); coding-DNA position 3220, A replaced by G.
Protein change: p.Ile1074Val; replaces isoleucine 1074 with valine.
Molecular consequence: missense variant.
Genome position (GRCh38, 1-based): chr5:66,054,538, A>G. VCF-style: chr5-66054538-A-G. GRCh37 (hg19) VCF-style: chr5-65350366-A-G.
Other names: c.3220A>G, p.Ile1074Val (NM_001006600.3, NM_001253698.2, NM_001253699.2 and 1 more transcripts); c.3208A>G, p.Ile1070Val (NM_001253701.2); short protein forms I1074V, I1070V.
Identifiers: ClinVar variation 2183539 (VCV002183539.4), dbSNP rs537123225, ClinGen allele CA3286612.

ClinVar aggregate classification (germline): Uncertain significance (1 of 4 stars; one submission).

Allele frequency attached by ClinVar (database versions not stated): gnomAD exomes 0.00001; ExAC 0.00005; TOPMed 0.00006; gnomAD 0.00007; 1000 Genomes Project 30x 0.00047; 1000 Genomes Project 0.00060.
gnomAD v4.1: 26 of 1,614,192 alleles (0.0016%); highest among the groups gnomAD compares: African/African-American, 0.017%; no homozygotes.

Submission:

Labcorp Genetics (formerly Invitae), Labcorp
Classification: Uncertain significance. Last evaluated: 2022-10-30. Review status: criteria provided, single submitter. Criteria: Invitae Variant Classification Sherloc (09022015). Collection method: clinical testing. Allele origin: germline.
Comment: This variant is present in population databases (rs537123225, gnomAD 0.03%). This sequence change replaces isoleucine, which is neutral and non-polar, with valine, which is neutral and non-polar, at codon 1074 of the ERBIN protein (p.Ile1074Val). This variant has not been reported in the literature in individuals affected with ERBIN-related conditions. In summary, the available evidence is currently insufficient to determine the role of this variant in disease. Therefore, it has been classified as a Variant of Uncertain Significance. Algorithms developed to predict the effect of missense changes on protein structure and function output the following: SIFT: "Tolerated"; PolyPhen-2: "Benign"; Align-GVGD: "Class C0". The valine amino acid residue is found in multiple mammalian species, which suggests that this missense change does not adversely affect protein function.